The following is an entry in ClinVar:

ClinVar aggregate classification (germline): Uncertain significance (1 of 4 stars; one submission).

Submission:

Women's Health and Genetics/Laboratory Corporation of America, LabCorp
Classification: Uncertain significance. Last evaluated: 2023-03-03. Review status: criteria provided, single submitter. Criteria: LabCorp Variant Classification Summary - May 2015. Collection method: clinical testing. Allele origin: germline.
Comment: Variant summary: PMS2 c.1098T>G (p.Asp366Glu) results in a conservative amino acid change in the encoded protein sequence. Four of five in-silico tools predict a benign effect of the variant on protein function. The variant was absent in 251260 control chromosomes. The available data on variant occurrences in the general population are insufficient to allow any conclusion about variant significance. To our knowledge, no occurrence of c.1098T>G in individuals affected with Lynch Syndrome and no experimental evidence demonstrating its impact on protein function have been reported. No clinical diagnostic laboratories have submitted clinical-significance assessments for this variant to ClinVar after 2014. Based on the evidence outlined above, the variant was classified as uncertain significance.

NM_000535.7(PMS2):c.1098T>G (p.Asp366Glu)

Gene: PMS2 (PMS1 homolog 2, mismatch repair system component; minus strand). Cytogenetic location: 7p22.1.
Variant type: single nucleotide variant.
Coding change: c.1098T>G on transcript NM_000535.7 (MANE Select); coding-DNA position 1098, T replaced by G.
Protein change: p.Asp366Glu; replaces aspartic acid 366 with glutamic acid.
Molecular consequence: missense variant. On other transcripts: non-coding transcript variant (1), intron variant (10).
Genome position (GRCh38, 1-based): chr7:5,989,846, A>C on the plus strand (T>G on the coding strand, the complement: PMS2 is on the minus strand). VCF-style: chr7-5989846-A-C. GRCh37 (hg19) VCF-style: chr7-6029477-A-C.
Other names: c.693T>G, p.Asp231Glu (NM_001018040.1, NM_001322003.2, NM_001322004.2 and 17 more transcripts); c.780T>G, p.Asp260Glu (NM_001322007.2, NM_001322008.2, NM_001406876.1 and 2 more transcripts); c.165T>G, p.Asp55Glu (NM_001322011.2, NM_001322012.2); c.525T>G, p.Asp175Glu (NM_001322013.2, NM_001406909.1); c.1098T>G, p.Asp366Glu (NM_001322014.2, NM_001406871.1, NM_001406872.1); c.789T>G, p.Asp263Glu (NM_001322015.2, NM_001406875.1, NM_001406877.1 and 5 more transcripts); c.1284T>G, p.Asp428Glu (NM_001406866.1); c.1122T>G, p.Asp374Glu (NM_001406868.1); and 13 more; short protein forms D109E, D175E, D195E, D231E, D244E, D254E, D260E, D263E.
Identifiers: ClinVar variation 2501090 (VCV002501090.1), dbSNP rs1554298688, ClinGen allele CA366742811.